The following is an entry in ClinVar:

NM_032119.4(ADGRV1):c.16208A>T (p.Asp5403Val)

Gene: ADGRV1 (adhesion G protein-coupled receptor V1; plus strand). Cytogenetic location: 5q14.3.
Variant type: single nucleotide variant.
Coding change: c.16208A>T on transcript NM_032119.4 (MANE Select); coding-DNA position 16208, A replaced by T.
Protein change: p.Asp5403Val; replaces aspartic acid 5403 with valine.
Molecular consequence: missense variant. On other transcripts: non-coding transcript variant (1).
Genome position (GRCh38, 1-based): chr5:90,823,436, A>T. VCF-style: chr5-90823436-A-T. GRCh37 (hg19) VCF-style: chr5-90119253-A-T.
Other names: short protein forms D5403V.
Identifiers: ClinVar variation 3692459 (VCV003692459.1).

ClinVar aggregate classification (germline): Uncertain significance (1 of 4 stars; one submission).

gnomAD v4.1: 4 of 1,613,672 alleles (0.00025%); highest among the groups gnomAD compares: Middle Eastern, 0.016%; no homozygotes.

Submission:

Labcorp Genetics (formerly Invitae), Labcorp
Classification: Uncertain significance. Last evaluated: 2024-10-07. Review status: criteria provided, single submitter. Criteria: Invitae Variant Classification Sherloc (09022015). Collection method: clinical testing. Allele origin: germline.
Comment: This sequence change replaces aspartic acid, which is acidic and polar, with valine, which is neutral and non-polar, at codon 5403 of the ADGRV1 protein (p.Asp5403Val). This variant is present in population databases (rs776356304, gnomAD 0.0009%). This variant has not been reported in the literature in individuals affected with ADGRV1-related conditions. Invitae Evidence Modeling of protein sequence and biophysical properties (such as structural, functional, and spatial information, amino acid conservation, physicochemical variation, residue mobility, and thermodynamic stability) indicates that this missense variant is not expected to disrupt ADGRV1 protein function with a negative predictive value of 95%. In summary, the available evidence is currently insufficient to determine the role of this variant in disease. Therefore, it has been classified as a Variant of Uncertain Significance.